The following is an entry in ClinVar:

ClinVar aggregate classification (germline): Likely pathogenic. Review status: criteria provided, single submitter (1 of 4 stars). 2 submissions from 2 submitters: Likely pathogenic (1). 1 of the submissions does not count toward it. Last evaluated 2026-06-17.

Conditions:
GLI2-related disorder. Also called: GLI2-related condition; GLI2-related disorders.

Submissions (2):

GeneDx
Classification: Likely pathogenic. Last evaluated: 2026-06-17. Review status: criteria provided, single submitter. Criteria: GeneDx Variant Classification Process June 2021. Collection method: clinical testing. Allele origin: germline.
Comment: Frameshift variant predicted to result in protein truncation or nonsense mediated decay in a gene for which loss of function is a known mechanism of disease; Not observed at significant frequency in large population cohorts (gnomAD); Has not been previously published as pathogenic or benign to our knowledge

PreventionGenetics, part of Exact Sciences
Classification: Likely pathogenic for GLI2-related condition. Last evaluated: 2024-09-21. Review status: no assertion criteria provided. Collection method: clinical testing. Allele origin: germline. Not counted in ClinVar's aggregate classification.
Comment: The GLI2 c.260dupC variant is predicted to result in a frameshift and premature protein termination (p.Ala88Cysfs*10). To our knowledge, this variant has not been reported in the literature or in a large population database, indicating this variant is rare. Frameshift variants in GLI2 are expected to be pathogenic. This variant is interpreted as likely pathogenic.

NM_001374353.1(GLI2):c.260dup (p.Ala88fs)

Gene: GLI2 (GLI family zinc finger 2; plus strand). Cytogenetic location: 2q14.2.
Variant type: Duplication.
Coding change: c.260dup on transcript NM_001374353.1 (MANE Select); coding-DNA position 260, one base duplicated (C; older notation c.260dupC).
Protein change: p.Ala88fs; shifts the reading frame from alanine 88.
Molecular consequence: frameshift variant. On other transcripts: 5 prime UTR variant (1).
Genome position (GRCh38, 1-based): chr2:120,951,248, C duplicated; the last of 5 consecutive C bases (chr2:120,951,244-120,951,248); duplicating any one gives the same sequence. VCF-style (leftmost placement, unchanged base first): chr2-120951243-G-GC. GRCh37 (hg19) VCF-style: chr2-121708819-G-GC.
Other names: c.260dupC (NM_005270.4); c.260dup, p.Ala88fs (NM_001371271.1, NM_005270.5); c.-116dup (NM_001374354.1); short protein forms A88fs.
Identifiers: ClinVar variation 3340963 (VCV003340963.2).